The following is an entry in ClinVar:

NM_021008.4(DEAF1):c.1318G>C (p.Ala440Pro)

Genes: DEAF1 (DEAF1 transcription factor; minus strand), LOC126861109 (BRD4-independent group 4 enhancer GRCh37_chr11:673917-675116; plus strand). Cytogenetic location: 11p15.5.
Variant type: single nucleotide variant.
Coding change: c.1318G>C on transcript NM_021008.4 (MANE Select); coding-DNA position 1318, G replaced by C.
Protein change: p.Ala440Pro; replaces alanine 440 with proline.
Molecular consequence: missense variant.
Genome position (GRCh38, 1-based): chr11:674,721, C>G on the plus strand (G>C on the coding strand, the complement: DEAF1 is on the minus strand). VCF-style: chr11-674721-C-G. GRCh37 (hg19) VCF-style: chr11-674721-C-G.
Other names: c.1051G>C, p.Ala351Pro (NM_001293634.2); c.592G>C, p.Ala198Pro (NM_001367390.1); short protein forms A198P, A351P, A440P.
Identifiers: ClinVar variation 2416603 (VCV002416603.7), dbSNP rs149746031, ClinGen allele CA216901154.

ClinVar aggregate classification (germline): Uncertain significance (1 of 4 stars; one submission).

gnomAD v4.1: 11 of 1,613,888 alleles (0.00068%); highest among the groups gnomAD compares: Non-Finnish European, 0.00093%; no homozygotes.

Submission:

Labcorp Genetics (formerly Invitae), Labcorp
Classification: Uncertain significance. Last evaluated: 2022-08-10. Review status: criteria provided, single submitter. Criteria: Invitae Variant Classification Sherloc (09022015). Collection method: clinical testing. Allele origin: germline.
Comment: Advanced modeling of protein sequence and biophysical properties (such as structural, functional, and spatial information, amino acid conservation, physicochemical variation, residue mobility, and thermodynamic stability) performed at Invitae indicates that this missense variant is not expected to disrupt DEAF1 protein function. In summary, the available evidence is currently insufficient to determine the role of this variant in disease. Therefore, it has been classified as a Variant of Uncertain Significance. This variant has not been reported in the literature in individuals affected with DEAF1-related conditions. This variant is not present in population databases (gnomAD no frequency). This sequence change replaces alanine, which is neutral and non-polar, with proline, which is neutral and non-polar, at codon 440 of the DEAF1 protein (p.Ala440Pro).